The following is an entry in ClinVar:

ClinVar aggregate classification (germline): Pathogenic/Likely pathogenic. Review status: criteria provided, multiple submitters, no conflicts (2 of 4 stars). 17 submissions from 17 submitters: Pathogenic (13); Likely pathogenic (3). 1 of the submissions does not count toward it. Last evaluated 2026-02-01.

Conditions:
Cardiac arrhythmia. Also called: Arrhythmia; Cardiac rhythm disease. Identifiers: MedGen C0003811, MONDO:0007263, HP:0011675.
KCNQ1-related disorder. Also called: KCNQ1-related condition; KCNQ1-related disorders. Identifiers: MedGen CN239322.
Cardiovascular phenotype. Identifiers: MedGen CN230736.
Familial long QT syndrome (RWS). Also called: Congenital long QT syndrome; Romano-Ward syndrome; VENTRICULAR FIBRILLATION WITH PROLONGED QT INTERVAL. Identifiers: Orphanet 768, MedGen C1141890, MONDO:0019171.
Atrial fibrillation, familial, 3 (ATFB3). Identifiers: MedGen C1837014, MONDO:0011857, OMIM 607554.
Long QT syndrome 1 (LQT1). Identifiers: Orphanet 101016, Orphanet 768, MedGen C4551647, MONDO:0100316, OMIM 192500, MONDO:0008646.
Beckwith-Wiedemann syndrome (BWS). Also called: Exomphalos macroglossia gigantism syndrome; EMG SYNDROME. Identifiers: Orphanet 116, MedGen C0004903, MONDO:0007534, OMIM 130650.
Jervell and Lange-Nielsen syndrome 1 (JLNS1). Also called: CARDIOAUDITORY SYNDROME OF JERVELL AND LANGE-NIELSEN; DEAFNESS, CONGENITAL, AND FUNCTIONAL HEART DISEASE; PROLONGED QT INTERVAL IN EKG AND SUDDEN DEATH; SURDO-CARDIAC SYNDROME. Identifiers: Orphanet 768, Orphanet 90647, MedGen C4551509, MONDO:0024540, OMIM 220400.
Short QT syndrome type 2. Identifiers: Orphanet 51083, MedGen C1865019, MONDO:0012313, OMIM 609621.
Long QT syndrome (LQTS). Identifiers: MedGen C0023976, MeSH D008133, MONDO:0002442. Disease mechanism: loss of function. Inheritance: Various modes of inheritance.

Allele frequency attached by ClinVar (database versions not stated): gnomAD exomes 0.00001; TOPMed 0.00001.
gnomAD v4.1: 13 of 1,613,868 alleles (0.00081%); highest among the groups gnomAD compares: Non-Finnish European, 0.001%; no homozygotes.

Submissions 1 to 7 of 17:

Labcorp Genetics (formerly Invitae), Labcorp
Classification: Pathogenic for Long QT syndrome. Last evaluated: 2026-02-01. Review status: criteria provided, single submitter. Criteria: Invitae Variant Classification Sherloc (09022015). Collection method: clinical testing. Allele origin: germline.
Comment: This sequence change replaces leucine, which is neutral and non-polar, with proline, which is neutral and non-polar, at codon 266 of the KCNQ1 protein (p.Leu266Pro). This variant is not present in population databases (gnomAD no frequency). This missense change has been observed in individuals with Jervell and Lange-Nielsen syndrome and/or long QT syndrome (PMID: 1467812, 17470695, 17905336, 21118729, 21451124, 22949429). ClinVar contains an entry for this variant (Variation ID: 53108). Invitae Evidence Modeling of protein sequence and biophysical properties (such as structural, functional, and spatial information, amino acid conservation, physicochemical variation, residue mobility, and thermodynamic stability) indicates that this missense variant is expected to disrupt KCNQ1 protein function with a positive predictive value of 95%. Experimental studies have shown that this missense change affects KCNQ1 function (PMID: 21451124). For these reasons, this variant has been classified as Pathogenic.

North West Genomic Laboratory Hub, Manchester University NHS Foundation Trust
Classification: Pathogenic for Long QT syndrome. Last evaluated: 2025-07-17. Review status: criteria provided, single submitter. Criteria: ACGS Best Practice Guidelines for Variant Classification in Rare Disease 2024. Collection method: clinical testing. Allele origin: germline. Affected: yes.
Comment: PP3_Supp PP1_Str PM1_Mod PS3_Supp PS4_Str

Ambry Genetics
Classification: Pathogenic for Cardiovascular phenotype. Last evaluated: 2025-04-24. Review status: criteria provided, single submitter. Criteria: Ambry Variant Classification Scheme 2023. Collection method: clinical testing. Allele origin: germline.
Comment: The c.797T>C (p.L266P) alteration is located in exon 6 (coding exon 6) of the KCNQ1 gene. This alteration results from a T to C substitution at nucleotide position 797, causing the leucine (L) at amino acid position 266 to be replaced by a proline (P). This variant was not reported in population-based cohorts in the Genome Aggregation Database (gnomAD). This variant has been described as one of the most common causative variants for long QT syndrome (LQTS), having been reported in multiple patients with long QT syndrome (LQTS), numerous patients from LQTS genetic testing cohorts, and patients with Jervell and Lange-Nielsen syndrome who carried a second mutation in KCNQ1 (Splawski, 2000; Tester, 2005; Moss, 2007; Kapplinger, 2009; Rice, 2011; Whiffin, 2017). This amino acid position is highly conserved in available vertebrate species. Based on internal structural analysis, this variant is predicted to destabilize the transmembrane S5 helix (Long, 2007). In an in vitro study, this variant disrupted channel function, suggesting an association with increased risk for cardiac events (Jons, 2011). This alteration is predicted to be deleterious by in silico analysis. Based on the available evidence, this alteration is classified as pathogenic.

Molecular Diagnostic Laboratory for Inherited Cardiovascular Disease, Montreal Heart Institute
Classification: Pathogenic for Cardiovascular phenotype. Last evaluated: 2025-02-06. Review status: criteria provided, single submitter. Criteria: ACMG Guidelines, 2015. Collection method: clinical testing. Allele origin: germline. Affected: yes.
Comment: PS4, PM1_strong, PP1_strong, PS3_mod, PM2, PM3, PP2, PP3

Blueprint Genetics
Classification: Pathogenic for KCNQ1-related disorders. Last evaluated: 2024-01-11. Review status: criteria provided, single submitter. Criteria: ACMG Guidelines, 2015. Collection method: clinical testing. Allele origin: germline. Affected: yes. Observed: 5 variant alleles.

All of Us Research Program, National Institutes of Health
Classification: Pathogenic for Long QT syndrome. Last evaluated: 2024-01-08. Review status: criteria provided, single submitter. Criteria: ACMG Guidelines, 2015. Collection method: clinical testing. Allele origin: germline. Inheritance: Autosomal dominant inheritance. Observed: 3 variant alleles, 3 heterozygotes.
Comment: This variant replaces leucine with proline at codon 266 in the KCNQ1 protein. Computational prediction suggests that this variant may have deleterious impact on protein structure and function (internally defined REVEL score threshold >= 0.7, PMID: 27666373). This variant is found within a highly conserved pore region (a.a. 262-282). Rare non-truncating variants in this region have been shown to be significantly overrepresented in individuals with long QT syndrome (PMID: 32893267). A functional study has shown that the variant causes significant potassium current changes in a transfected Xenopus oocyte model (PMID: 21451124). This variant has been reported in almost forty individuals affected with long QT syndrome (PMID: 11668638, 14678125, 17470695, 19841300, 37445499, 36102233) or suspected of having long QT syndrome (PMID: 10973849, 15840476, 17905336, 26743238). This variant has been observed in two siblings with Jervell Lange-Nielsen syndrome in compound heterozygous state with a known pathogenic variant p.Gly269Ser in the same gene (PMID: 21118729). This variant has not been identified in the general population by the Genome Aggregation Database (gnomAD). Based on the available evidence, this variant is classified as Pathogenic.

This study involves interpretation of variants in research participants for the purpose of population health screening. Participant phenotype was not available at the time of variant classification. Additional details can be found in publication PMID: 35346344, PMCID: PMC8962531

Color Diagnostics, LLC DBA Color Health
Classification: Pathogenic for Cardiac arrhythmia. Last evaluated: 2023-09-11. Review status: criteria provided, single submitter. Criteria: ACMG Guidelines, 2015. Collection method: clinical testing. Allele origin: germline.
Comment: This variant replaces leucine with proline at codon 266 in the KCNQ1 protein. Computational prediction suggests that this variant may have deleterious impact on protein structure and function (internally defined REVEL score threshold >= 0.7, PMID: 27666373). This variant is found within a highly conserved pore region (a.a. 262-282). Rare non-truncating variants in this region have been shown to be significantly overrepresented in individuals with long QT syndrome (PMID: 32893267). A functional study has shown that the variant causes significant potassium current changes in a transfected Xenopus oocyte model (PMID: 21451124). This variant has been reported in almost forty individuals affected with long QT syndrome (PMID: 11668638, 14678125, 17470695, 19841300, 37445499, 36102233) or suspected of having long QT syndrome (PMID: 10973849, 15840476, 17905336, 26743238). This variant has been observed in two siblings with Jervell Lange-Nielsen syndrome in compound heterozygous state with a known pathogenic variant p.Gly269Ser in the same gene (PMID: 21118729). This variant has not been identified in the general population by the Genome Aggregation Database (gnomAD). Based on the available evidence, this variant is classified as Pathogenic.

NM_000218.3(KCNQ1):c.797T>C (p.Leu266Pro)

Gene: KCNQ1 (potassium voltage-gated channel subfamily Q member 1; plus strand). Cytogenetic location: 11p15.5.
Variant type: single nucleotide variant.
Coding change: c.797T>C on transcript NM_000218.3 (MANE Select); coding-DNA position 797, T replaced by C.
Protein change: p.Leu266Pro; replaces leucine 266 with proline.
Molecular consequence: missense variant.
Genome position (GRCh38, 1-based): chr11:2,572,862, T>C. VCF-style: chr11-2572862-T-C. GRCh37 (hg19) VCF-style: chr11-2594092-T-C.
Other names: p.L266P:CTG>CCG; c.797T>C (LRG_287t1); c.797T>C, p.Leu266Pro (NM_001406836.1); c.527T>C, p.Leu176Pro (NM_001406837.1); c.416T>C, p.Leu139Pro (NM_181798.2); short protein forms L266P, L139P, L176P.
Identifiers: ClinVar variation 53108 (VCV000053108.40), dbSNP rs199473460, ClinGen allele CA008262.